The following is an entry in ClinVar:

ClinVar aggregate classification (germline): Uncertain significance. Review status: criteria provided, multiple submitters, no conflicts (2 of 4 stars). 3 submissions from 3 submitters: Uncertain significance (3). Last evaluated 2025-05-12.

Conditions:
Malignant hyperthermia, susceptibility to, 5 (MHS5). Also called: CACNA1S-Related Malignant Hyperthermia Susceptibility. Identifiers: Orphanet 423, MedGen C1866077, MONDO:0011163, OMIM 601887.
Hypokalemic periodic paralysis, type 1. Also called: Hypokalemic Periodic Paralysis Type 1 (AD); HypoPP. Identifiers: Orphanet 681, MedGen C3714580, MONDO:0042979, OMIM 170400.

Allele frequency attached by ClinVar (database versions not stated): gnomAD 0.00001; TOPMed 0.00001.
gnomAD v4.1: 16 of 1,614,018 alleles (0.00099%); highest among the groups gnomAD compares: East Asian, 0.0045%; no homozygotes.

Submissions (3):

Color Diagnostics, LLC DBA Color Health
Classification: Uncertain significance for Malignant hyperthermia, susceptibility to, 5. Last evaluated: 2025-05-12. Review status: criteria provided, single submitter. Criteria: ACMG Guidelines, 2015. Collection method: clinical testing. Allele origin: germline.
Comment: This missense variant replaces arginine with glutamine at codon 1547 of the CACNA1S protein. Computational prediction suggests that this variant may not impact protein structure and function. To our knowledge, functional studies have not been reported for this variant. This variant has not been reported in individuals affected with CACNA1S-related disorders in the literature. This variant has not been identified in the general population by the Genome Aggregation Database (gnomAD). The available evidence is insufficient to determine the role of this variant in disease conclusively. Therefore, this variant is classified as a Variant of Uncertain Significance.

Labcorp Genetics (formerly Invitae), Labcorp
Classification: Uncertain significance for Hypokalemic periodic paralysis, type 1; Malignant hyperthermia, susceptibility to, 5. Last evaluated: 2024-11-27. Review status: criteria provided, single submitter. Criteria: Invitae Variant Classification Sherloc (09022015). Collection method: clinical testing. Allele origin: germline.
Comment: This sequence change replaces arginine, which is basic and polar, with glutamine, which is neutral and polar, at codon 1547 of the CACNA1S protein (p.Arg1547Gln). This variant is not present in population databases (gnomAD no frequency). This variant has not been reported in the literature in individuals affected with CACNA1S-related conditions. ClinVar contains an entry for this variant (Variation ID: 2926494). Invitae Evidence Modeling of protein sequence and biophysical properties (such as structural, functional, and spatial information, amino acid conservation, physicochemical variation, residue mobility, and thermodynamic stability) indicates that this missense variant is not expected to disrupt CACNA1S protein function with a negative predictive value of 95%. In summary, the available evidence is currently insufficient to determine the role of this variant in disease. Therefore, it has been classified as a Variant of Uncertain Significance.

All of Us Research Program, National Institutes of Health
Classification: Uncertain significance for Malignant hyperthermia, susceptibility to, 5. Last evaluated: 2023-05-31. Review status: criteria provided, single submitter. Criteria: ACMG Guidelines, 2015. Collection method: clinical testing. Allele origin: germline. Inheritance: Autosomal dominant inheritance. Observed: 1 variant allele, 1 heterozygote.
Comment: This study involves interpretation of variants in research participants for the purpose of population health screening. Participant phenotype was not available at the time of variant classification. Additional details can be found in publication PMID: 35346344, PMCID: PMC8962531

NM_000069.3(CACNA1S):c.4640G>A (p.Arg1547Gln)

Gene: CACNA1S (calcium voltage-gated channel subunit alpha1 S; minus strand). Cytogenetic location: 1q32.1.
Variant type: single nucleotide variant.
Coding change: c.4640G>A on transcript NM_000069.3 (MANE Select); coding-DNA position 4640, G replaced by A.
Protein change: p.Arg1547Gln; replaces arginine 1547 with glutamine.
Molecular consequence: missense variant.
Genome position (GRCh38, 1-based): chr1:201,047,143, C>T on the plus strand (G>A on the coding strand, the complement: CACNA1S is on the minus strand). VCF-style: chr1-201047143-C-T. GRCh37 (hg19) VCF-style: chr1-201016271-C-T.
Other names: short protein forms R1547Q.
Identifiers: ClinVar variation 2926494 (VCV002926494.5), dbSNP rs747054621, ClinGen allele CA344141728.